The following is an entry in ClinVar:

NM_005902.4(SMAD3):c.887T>C (p.Leu296Pro)

Gene: SMAD3 (SMAD family member 3; plus strand). Cytogenetic location: 15q22.33.
Variant type: single nucleotide variant.
Coding change: c.887T>C on transcript NM_005902.4 (MANE Select); coding-DNA position 887, T replaced by C.
Protein change: p.Leu296Pro; replaces leucine 296 with proline.
Molecular consequence: missense variant.
Genome position (GRCh38, 1-based): chr15:67,184,742, T>C. VCF-style: chr15-67184742-T-C. GRCh37 (hg19) VCF-style: chr15-67477080-T-C.
Other names: c.887T>C (NM_005902.3); c.572T>C, p.Leu191Pro (NM_001145102.2); c.755T>C, p.Leu252Pro (NM_001145103.2); c.302T>C, p.Leu101Pro (NM_001145104.2); short protein forms L252P, L101P, L191P, L296P.
Identifiers: ClinVar variation 1408122 (VCV001408122.7), dbSNP rs2140319849, ClinGen allele CA392956702.

ClinVar aggregate classification (germline): Uncertain significance. Review status: criteria provided, multiple submitters, no conflicts (2 of 4 stars). 2 submissions from 2 submitters: Uncertain significance (2). Last evaluated 2023-09-14.

Conditions:
Familial thoracic aortic aneurysm and aortic dissection (TAAD). Also called: Thoracic aortic aneurysms and dissections. Identifiers: Orphanet 91387, MedGen C4707243, MONDO:0019625.

Submissions (2):

GeneDx
Classification: Uncertain significance. Last evaluated: 2023-09-14. Review status: criteria provided, single submitter. Criteria: GeneDx Variant Classification Process June 2021. Collection method: clinical testing. Allele origin: germline. Affected: yes.
Comment: Not observed at significant frequency in large population cohorts (gnomAD); Published functional studies suggest p.(L296P) results in increased dorsal aorta diameter in zebrafish (Sheppard et al., 2023).; In silico analysis supports that this missense variant has a deleterious effect on protein structure/function; This variant is associated with the following publications: (PMID: 36926042, 26221609, 28185953, 29392890, 32597575, 25644172)

Labcorp Genetics (formerly Invitae), Labcorp
Classification: Uncertain significance for Familial thoracic aortic aneurysm and aortic dissection. Last evaluated: 2021-04-24. Review status: criteria provided, single submitter. Criteria: Invitae Variant Classification Sherloc (09022015). Collection method: clinical testing. Allele origin: germline.
Comment: In summary, the available evidence is currently insufficient to determine the role of this variant in disease. Therefore, it has been classified as a Variant of Uncertain Significance. Advanced modeling of protein sequence and biophysical properties (such as structural, functional, and spatial information, amino acid conservation, physicochemical variation, residue mobility, and thermodynamic stability) performed at Invitae indicates that this missense variant is expected to disrupt SMAD3 protein function. This variant has been observed in individual(s) with clinical features of SMAD3-related conditions (PMID: 25644172). This variant is not present in population databases (ExAC no frequency). This sequence change replaces leucine with proline at codon 296 of the SMAD3 protein (p.Leu296Pro). The leucine residue is highly conserved and there is a moderate physicochemical difference between leucine and proline.

Literature cited by the submitters: PubMed 25644172 (cited by Labcorp Genetics (formerly Invitae), Labcorp).